The following is an entry in ClinVar:

ClinVar aggregate classification (germline): Likely benign (0 of 4 stars; one submission).

Conditions:
CYFIP2-related disorder. Also called: CYFIP2-related condition.

Submission:

PreventionGenetics, part of Exact Sciences
Classification: Likely benign for CYFIP2-related condition. Last evaluated: 2019-03-08. Review status: no assertion criteria provided. Collection method: clinical testing. Allele origin: germline.
Comment: This variant is classified as likely benign based on ACMG/AMP sequence variant interpretation guidelines (Richards et al. 2015 PMID: 25741868, with internal and published modifications).

NM_001037333.3(CYFIP2):c.1983-10C>G

Gene: CYFIP2 (cytoplasmic FMR1 interacting protein 2; plus strand). Cytogenetic location: 5q33.3.
Variant type: single nucleotide variant.
Coding change: c.1983-10C>G on transcript NM_001037333.3 (MANE Select); 10 bases into the intron before coding-DNA position 1983, C replaced by G.
Molecular consequence: intron variant.
Genome position (GRCh38, 1-based): chr5:157,326,161, C>G. VCF-style: chr5-157326161-C-G. GRCh37 (hg19) VCF-style: chr5-156753169-C-G.
Other names: c.2058-10C>G (NM_001291722.2); c.1905-10C>G (NM_001291721.2); c.1983-10C>G (NM_014376.4).
Identifiers: ClinVar variation 3046319 (VCV003046319.2), dbSNP rs2532422260, ClinGen allele CA2740094159.